The following is an entry in ClinVar:

ClinVar aggregate classification (germline): Uncertain significance (1 of 4 stars; one submission).

gnomAD v4.1: 3 of 1,189,995 alleles (0.00025%); highest among the groups gnomAD compares: East Asian, 0.003%; no homozygotes.

Submission:

Labcorp Genetics (formerly Invitae), Labcorp
Classification: Uncertain significance. Last evaluated: 2024-12-31. Review status: criteria provided, single submitter. Criteria: Invitae Variant Classification Sherloc (09022015). Collection method: clinical testing. Allele origin: germline.
Comment: This sequence change replaces arginine, which is basic and polar, with histidine, which is basic and polar, at codon 255 of the NYX protein (p.Arg255His). This variant is not present in population databases (gnomAD no frequency). This variant has not been reported in the literature in individuals affected with NYX-related conditions. Invitae Evidence Modeling of protein sequence and biophysical properties (such as structural, functional, and spatial information, amino acid conservation, physicochemical variation, residue mobility, and thermodynamic stability) indicates that this missense variant is not expected to disrupt NYX protein function with a negative predictive value of 80%. In summary, the available evidence is currently insufficient to determine the role of this variant in disease. Therefore, it has been classified as a Variant of Uncertain Significance.

NM_001378477.3(NYX):c.749G>A (p.Arg250His)

Gene: NYX (nyctalopin; plus strand). Cytogenetic location: Xp11.4.
Variant type: single nucleotide variant.
Coding change: c.749G>A on transcript NM_001378477.3 (MANE Select); coding-DNA position 749, G replaced by A.
Protein change: p.Arg250His; replaces arginine 250 with histidine.
Molecular consequence: missense variant.
Genome position (GRCh38, 1-based): chrX:41,474,217, G>A. VCF-style: chrX-41474217-G-A. GRCh37 (hg19) VCF-style: chrX-41333470-G-A.
Other names: c.749G>A, p.Arg250His (NM_022567.3); short protein forms R250H.
Identifiers: ClinVar variation 3712969 (VCV003712969.2).